The following is an entry in ClinVar:

NM_001242896.3(DEPDC5):c.3940C>T (p.Pro1314Ser)

Gene: DEPDC5 (DEP domain containing 5, GATOR1 subcomplex subunit; plus strand). Cytogenetic location: 22q12.3.
Variant type: single nucleotide variant.
Coding change: c.3940C>T on transcript NM_001242896.3 (MANE Select); coding-DNA position 3940, C replaced by T.
Protein change: p.Pro1314Ser; replaces proline 1314 with serine.
Molecular consequence: missense variant. On other transcripts: non-coding transcript variant (5).
Genome position (GRCh38, 1-based): chr22:31,879,659, C>T. VCF-style: chr22-31879659-C-T. GRCh37 (hg19) VCF-style: chr22-32275645-C-T.
Other names: c.3913C>T, p.Pro1305Ser (NM_001136029.4); c.3640C>T, p.Pro1214Ser (NM_001242897.2); c.3874C>T, p.Pro1292Ser (NM_001363852.2, NM_001364320.2); c.3706C>T, p.Pro1236Ser (NM_001363854.2, NM_001364319.2); c.3940C>T, p.Pro1314Ser (NM_001364318.2); c.3856C>T, p.Pro1286Ser (NM_001369901.1, NM_001369902.1); c.3847C>T, p.Pro1283Ser (NM_001369903.1, NM_014662.6); short protein forms P1292S, P1314S, P1214S, P1236S, P1283S, P1286S, P1305S.
Identifiers: ClinVar variation 935000 (VCV000935000.9), dbSNP rs2093121770, ClinGen allele CA411282503.
Genomic context (GRCh38, chr22:31,879,659, plus strand): 5'-TTTGAGGTGGCCTTTGTGGCAGAAGAGCTCGTGCACTCTGAGATTCCTGCCTTTCTCCTG[C>T]CCTGGCTGCCTAGCCGGCCAGCCTCCTATGCAAGTAGGCACAGCTCCTTTAGCCGAAGTT-3'
Protein context (NP_001229825.1, residues 1304-1324): VHSEIPAFLL[Pro1314Ser]WLPSRPASYA

ClinVar aggregate classification (germline): Uncertain significance (1 of 4 stars; one submission).

Conditions:
Familial focal epilepsy with variable foci (FPEVF). Identifiers: Orphanet 98820, MedGen C1858477, MONDO:0020310.

Allele frequency attached by ClinVar (database versions not stated): gnomAD exomes below 0.00001.
gnomAD v4.1: 1 of 1,614,144 alleles (0.000062%); highest among the groups gnomAD compares: Non-Finnish European, 0.000085%; no homozygotes.

Submission:

Labcorp Genetics (formerly Invitae), Labcorp
Classification: Uncertain significance for Familial focal epilepsy with variable foci. Last evaluated: 2021-06-30. Review status: criteria provided, single submitter. Criteria: Invitae Variant Classification Sherloc (09022015). Collection method: clinical testing. Allele origin: germline.
Comment: This sequence change replaces proline with serine at codon 1314 of the DEPDC5 protein (p.Pro1314Ser). The proline residue is highly conserved and there is a moderate physicochemical difference between proline and serine. This variant is not present in population databases (ExAC no frequency). In summary, the available evidence is currently insufficient to determine the role of this variant in disease. Therefore, it has been classified as a Variant of Uncertain Significance. Algorithms developed to predict the effect of missense changes on protein structure and function are either unavailable or do not agree on the potential impact of this missense change (SIFT: "Deleterious"; PolyPhen-2: "Not Available"; Align-GVGD: "Class C0"). ClinVar contains an entry for this variant (Variation ID: 935000). This variant has not been reported in the literature in individuals affected with DEPDC5-related conditions.